The following is an entry in ClinVar:

ClinVar aggregate classification (germline): Conflicting classifications of pathogenicity. Review status: criteria provided, conflicting classifications (1 of 4 stars). 3 submissions from 3 submitters: Uncertain significance (1); Likely benign (2). Last evaluated 2024-10-02.

Conditions:
Hereditary spastic paraplegia. Also called: Familial spastic paraparesis. Identifiers: Orphanet 685, MedGen C0037773, MONDO:0019064. Disease mechanism: loss of function.
Hereditary spastic paraplegia 11. Also called: SPASTIC PARAPLEGIA, AUTOSOMAL RECESSIVE, COMPLICATED, WITH THIN CORPUS CALLOSUM; SPASTIC PARAPLEGIA, AUTOSOMAL RECESSIVE, WITH MENTAL IMPAIRMENT AND THIN CORPUS CALLOSUM; Spastic Paraplegia 11; Nakamura Osame syndrome; Autosomal recessive hereditary spastic paraplegia, mental impairment, and thin corpus callosum; Spastic paraplegia, mental retardation and thin corpus callosum. Identifiers: Orphanet 2822, MedGen C1858479, MONDO:0011445, OMIM 604360.

Allele frequency attached by ClinVar (database versions not stated): TOPMed below 0.00001; ExAC 0.00001; gnomAD 0.00001; gnomAD exomes 0.00001; ESP Exome Variant Server 0.00008.
gnomAD v4.1: 13 of 1,611,114 alleles (0.00081%); highest among the groups gnomAD compares: Middle Eastern, 0.017%; no homozygotes.

Submissions (3):

Labcorp Genetics (formerly Invitae), Labcorp
Classification: Likely benign for Hereditary spastic paraplegia 11. Last evaluated: 2024-10-02. Review status: criteria provided, single submitter. Criteria: Invitae Variant Classification Sherloc (09022015). Collection method: clinical testing. Allele origin: germline.

CeGaT Center for Human Genetics Tuebingen
Classification: Likely benign. Last evaluated: 2022-12-01. Review status: criteria provided, single submitter. Criteria: CeGaT Center For Human Genetics Tuebingen Variant Classification Criteria Version 2. Collection method: clinical testing. Allele origin: germline. Affected: yes. Observed: 1 variant allele.
Comment: SPG11: BP4, BP7

Genome Diagnostics Laboratory, The Hospital for Sick Children
Classification: Uncertain significance for Hereditary spastic paraplegia. Last evaluated: 2016-12-12. Review status: criteria provided, single submitter. Criteria: ACMG Guidelines, 2015. Collection method: clinical testing. Allele origin: germline. Affected: yes.

NM_025137.4(SPG11):c.4674G>C (p.Leu1558=)

Gene: SPG11 (SPG11 vesicle trafficking associated, spatacsin; minus strand). Cytogenetic location: 15q21.1.
Variant type: single nucleotide variant.
Coding change: c.4674G>C on transcript NM_025137.4 (MANE Select); coding-DNA position 4674, G replaced by C.
Protein change: p.Leu1558=; no amino-acid change (leucine 1558 retained).
Molecular consequence: synonymous variant.
Genome position (GRCh38, 1-based): chr15:44,592,400, C>G on the plus strand (G>C on the coding strand, the complement: SPG11 is on the minus strand). VCF-style: chr15-44592400-C-G. GRCh37 (hg19) VCF-style: chr15-44884598-C-G.
Other names: c.4674G>C, p.Leu1558= (NM_001160227.2).
Identifiers: ClinVar variation 1115105 (VCV001115105.35), dbSNP rs376125033, ClinGen allele CA7534616.